The following is an entry in ClinVar:

NM_020297.4(ABCC9):c.2966G>A (p.Gly989Glu)

Gene: ABCC9 (ATP binding cassette subfamily C member 9; minus strand). Cytogenetic location: 12p12.1.
Variant type: single nucleotide variant.
Coding change: c.2966G>A on transcript NM_020297.4 (MANE Select); coding-DNA position 2966, G replaced by A.
Protein change: p.Gly989Glu; replaces glycine 989 with glutamic acid.
Molecular consequence: missense variant.
Genome position (GRCh38, 1-based): chr12:21,845,733, C>T on the plus strand (G>A on the coding strand, the complement: ABCC9 is on the minus strand). VCF-style: chr12-21845733-C-T. GRCh37 (hg19) VCF-style: chr12-21998667-C-T.
Other names: c.2966G>A, p.Gly989Glu (NM_001377273.1, NM_005691.4); c.2099G>A, p.Gly700Glu (NM_001377274.1); short protein forms G700E, G989E.
Identifiers: ClinVar variation 2633610 (VCV002633610.2), dbSNP rs2541079837, ClinGen allele CA384120172.
Genomic context (GRCh38, chr12:21,845,733, plus strand): 5'-ACAATGACCGAATGCTTCAAAAGCTTAGAGAAAATCATCAGGATGAGCAGGAAGAATCCT[C>T]CAGATGTCAGGTAGCGCCAGCAGGTTTTCCATGGCATTTTAGTCCTGAGCCTCATTACAG-3'
Protein context (NP_064693.2, residues 979-999): WKTCWRYLTS[Gly989Glu]GFFLLILMIF

ClinVar aggregate classification (germline): Pathogenic/Likely pathogenic. Review status: criteria provided, multiple submitters, no conflicts (2 of 4 stars). 2 submissions from 2 submitters: Pathogenic (1); Likely pathogenic (1). Last evaluated 2025-02-06.

Conditions:
ABCC9-related disorder. Also called: ABCC9-related condition; ABCC9-related disorders.
Hypertrichotic osteochondrodysplasia Cantu type. Also called: Cantú Syndrome; Cantu Syndrome. Identifiers: Orphanet 1517, MedGen C0795905, MONDO:0009406, OMIM 239850.

Submissions (2):

3billion
Classification: Pathogenic for Hypertrichotic osteochondrodysplasia Cantu type. Last evaluated: 2025-02-06. Review status: criteria provided, single submitter. Criteria: ACMG Guidelines, 2015. Collection method: clinical testing. Allele origin: germline. Affected: yes.
Comment: The variant is not observed in the gnomAD v4.1.0 dataset. Predicted Consequence/Location: Missense variant. Missense changes are a common disease-causing mechanism. Functional studies provide moderate evidence of the variant having a damaging effect on the gene or gene product (PMID: 29275331). In silico tool predictions suggest damaging effect of the variant on gene or gene product [REVEL: 0.83 (>=0.6, sensitivity 0.68 and specificity 0.92); 3Cnet: 0.82 (>=0.6, sensitivity 0.72 and precision 0.9)]. The same nucleotide change resulting in the same amino acid change has been previously reported to be associated with ABCC9-related disorder (ClinVar ID: VCV002633610 /PMID: 29275331). Therefore, this variant is classified as Pathogenic according to the recommendation of ACMG/AMP guideline.

PreventionGenetics, part of Exact Sciences
Classification: Likely pathogenic for ABCC9-related condition. Last evaluated: 2023-03-27. Review status: criteria provided, single submitter. Criteria: ACMG Guidelines, 2015. Collection method: clinical testing. Allele origin: germline.
Comment: The ABCC9 c.2966G>A variant is predicted to result in the amino acid substitution p.Gly989Glu. This variant was reported with de novo occurrence in an individual with Cantú syndrome (McClenaghan et al 2018. PubMed ID: 29275331). It resides adjacent to the nucleotide-binding domain 1 and transmembrane domain 2, where multiple other disease-associated missense variants have been reported. Like others in this region, this variant has been shown to impart gain of channel function when modeled in vitro (McClenaghan et al 2018. PubMed ID: 29275331). This variant has not been reported in a large population database, indicating this variant is rare. This variant is interpreted as likely pathogenic.

Literature cited by the submitters: PubMed 29275331 (cited by 3billion).